The following is an entry in ClinVar:

NM_152594.3(SPRED1):c.421C>T (p.Gln141Ter)

Gene: SPRED1 (sprouty related EVH1 domain containing 1; plus strand). Cytogenetic location: 15q14.
Variant type: single nucleotide variant.
Coding change: c.421C>T on transcript NM_152594.3 (MANE Select); coding-DNA position 421, C replaced by T.
Protein change: p.Gln141Ter; replaces glutamine 141 with a stop codon.
Molecular consequence: nonsense.
Genome position (GRCh38, 1-based): chr15:38,324,807, C>T. VCF-style: chr15-38324807-C-T. GRCh37 (hg19) VCF-style: chr15-38617008-C-T.
Other names: short protein forms Q141*.
Identifiers: ClinVar variation 409627 (VCV000409627.7), dbSNP rs1060502505, ClinGen allele CA16614586.
Genomic context (GRCh38, chr15:38,324,807, plus strand): 5'-TTATCTATTTTCTTAGGATGCCCCGAATCAAAAAATGAAGCTGAAGGGGCAGATGACTTA[C>T]AAGTAAGTAATGGCTTGGAAGGAATTTGTAAACATAAAGGATGTGGAAGAAATCACTAGC-3'

ClinVar aggregate classification (germline): Pathogenic (1 of 4 stars; one submission).

Conditions:
Legius syndrome. Identifiers: Orphanet 137605, MedGen C1969623, MONDO:0012669, OMIM 611431. Disease mechanism: loss of function.

Submission:

Labcorp Genetics (formerly Invitae), Labcorp
Classification: Pathogenic for Legius syndrome. Last evaluated: 2016-09-05. Review status: criteria provided, single submitter. Criteria: Invitae Variant Classification Sherloc (09022015). Collection method: clinical testing. Allele origin: germline.
Comment: For these reasons, this variant has been classified as Pathogenic. While this particular variant has not been reported in the literature, loss-of-function variants in SPRED1 are known to be pathogenic (PMID: 17704776). This sequence change creates a premature translational stop signal at codon 141 (p.Gln141*) of the SPRED1 gene. It is expected to result in an absent or disrupted protein product.

Literature cited by the submitters: PubMed 17704776.